The following is an entry in ClinVar:

ClinVar aggregate classification (germline): Uncertain significance (1 of 4 stars; one submission).

Submission:

GeneDx
Classification: Uncertain significance. Last evaluated: 2023-07-11. Review status: criteria provided, single submitter. Criteria: GeneDx Variant Classification Process June 2021. Collection method: clinical testing. Allele origin: germline. Affected: yes.
Comment: Not observed at significant frequency in large population cohorts (gnomAD); In silico analysis supports that this missense variant does not alter protein structure/function; Has not been previously published as pathogenic or benign to our knowledge

NM_000038.6(APC):c.7209G>C (p.Gln2403His)

Gene: APC (APC regulator of WNT signaling pathway; plus strand). Cytogenetic location: 5q22.2.
Variant type: single nucleotide variant.
Coding change: c.7209G>C on transcript NM_000038.6 (MANE Select); coding-DNA position 7209, G replaced by C.
Protein change: p.Gln2403His; replaces glutamine 2403 with histidine.
Molecular consequence: missense variant. On other transcripts: non-coding transcript variant (2).
Genome position (GRCh38, 1-based): chr5:112,842,803, G>C. VCF-style: chr5-112842803-G-C. GRCh37 (hg19) VCF-style: chr5-112178500-G-C.
Other names: c.7209G>C, p.Gln2403His (NM_001127510.3, NM_001354895.2, NM_001407450.1); c.7155G>C, p.Gln2385His (NM_001127511.3); c.7263G>C, p.Gln2421His (NM_001354896.2, NM_001407447.1, NM_001407448.1 and 1 more transcripts); c.7239G>C, p.Gln2413His (NM_001354897.2); c.7134G>C, p.Gln2378His (NM_001354898.2); c.7125G>C, p.Gln2375His (NM_001354899.2); c.7086G>C, p.Gln2362His (NM_001354900.2); c.7032G>C, p.Gln2344His (NM_001354901.2, NM_001407453.1); and 11 more; short protein forms Q2019H, Q2120H, Q2243H, Q2274H, Q2277H, Q2302H, Q2312H, Q2320H.
Identifiers: ClinVar variation 2573820 (VCV002573820.1), dbSNP rs769603145, ClinGen allele CA16037029.